The following is an entry in ClinVar:

NM_000214.3(JAG1):c.1543A>G (p.Thr515Ala)

Gene: JAG1 (jagged canonical Notch ligand 1; minus strand). Cytogenetic location: 20p12.2.
Variant type: single nucleotide variant.
Coding change: c.1543A>G on transcript NM_000214.3 (MANE Select); coding-DNA position 1543, A replaced by G.
Protein change: p.Thr515Ala; replaces threonine 515 with alanine.
Molecular consequence: missense variant.
Genome position (GRCh38, 1-based): chr20:10,648,575, T>C on the plus strand (A>G on the coding strand, the complement: JAG1 is on the minus strand). VCF-style: chr20-10648575-T-C. GRCh37 (hg19) VCF-style: chr20-10629223-T-C.
Other names: short protein forms T515A.
Identifiers: ClinVar variation 4040693 (VCV004040693.1).

ClinVar aggregate classification (germline): Uncertain significance (1 of 4 stars; one submission).

Conditions:
Cardiovascular phenotype. Identifiers: MedGen CN230736.

gnomAD v4.1: 1 of 1,613,712 alleles (0.000062%); highest among the groups gnomAD compares: African/African-American, 0.0013%; no homozygotes.

Submission:

Ambry Genetics
Classification: Uncertain significance for Cardiovascular phenotype. Last evaluated: 2025-05-03. Review status: criteria provided, single submitter. Criteria: Ambry Variant Classification Scheme 2023. Collection method: clinical testing. Allele origin: germline.
Comment: The p.T515A variant (also known as c.1543A>G), located in coding exon 12 of the JAG1 gene, results from an A to G substitution at nucleotide position 1543. The threonine at codon 515 is replaced by alanine, an amino acid with similar properties. This amino acid position is conserved. In addition, this alteration is predicted to be tolerated by in silico analysis. Based on the available evidence, the clinical significance of this variant remains unclear.